The following is an entry in ClinVar:

NM_000368.5(TSC1):c.1203T>A (p.Cys401Ter)

Gene: TSC1 (TSC complex subunit 1; minus strand). Cytogenetic location: 9q34.13.
Variant type: single nucleotide variant.
Coding change: c.1203T>A on transcript NM_000368.5 (MANE Select); coding-DNA position 1203, T replaced by A.
Protein change: p.Cys401Ter; replaces cysteine 401 with a stop codon.
Molecular consequence: nonsense. On other transcripts: non-coding transcript variant (5).
Genome position (GRCh38, 1-based): chr9:132,910,631, A>T on the plus strand (T>A on the coding strand, the complement: TSC1 is on the minus strand). VCF-style: chr9-132910631-A-T. GRCh37 (hg19) VCF-style: chr9-135786018-A-T.
Other names: c.249T>A, p.Cys83Ter (NM_001406628.1, NM_001406627.1); c.150T>A, p.Cys50Ter (NM_001406629.1, NM_001406630.1); c.1200T>A, p.Cys400Ter (NM_001406597.1, NM_001406598.1, NM_001406599.1 and 6 more transcripts); c.1203T>A, p.Cys401Ter (NM_001406601.1, NM_001406602.1, NM_001406605.1 and 7 more transcripts); c.840T>A, p.Cys280Ter (NM_001406616.1, NM_001406617.1, NM_001406618.1 and 5 more transcripts); c.837T>A, p.Cys279Ter (NM_001406620.1, NM_001406621.1, NM_001406622.1 and 2 more transcripts); c.252T>A, p.Cys84Ter (NM_001406626.1); c.1050T>A, p.Cys350Ter (NM_001162427.2, NM_001406610.1); and 1 more; short protein forms C279*, C280*, C349*, C350*, C400*, C401*, C50*, C83*.
Identifiers: ClinVar variation 4085150 (VCV004085150.9).

ClinVar aggregate classification (germline): Pathogenic. Review status: criteria provided, multiple submitters, no conflicts (2 of 4 stars). 2 submissions from 2 submitters: Pathogenic (2). Last evaluated 2025-06-01.

Conditions:
Tuberous sclerosis 1 (TSC1). Identifiers: Orphanet 805, MedGen C1854465, MONDO:0008612, OMIM 191100.

Submissions (2):

CeGaT Center for Human Genetics Tuebingen
Classification: Pathogenic. Last evaluated: 2025-06-01. Review status: criteria provided, single submitter. Criteria: CeGaT Center For Human Genetics Tuebingen Variant Classification Criteria Version 2. Collection method: clinical testing. Allele origin: germline. Affected: yes. Observed: 1 variant allele.
Comment: TSC1: PVS1, PM2

Department of Human Genetics, Hannover Medical School
Classification: Pathogenic for Tuberous sclerosis 1. Last evaluated: 2022-04-26. Review status: criteria provided, single submitter. Criteria: ACMG Guidelines, 2015. Collection method: clinical testing. Allele origin: inherited. Inheritance: Autosomal dominant inheritance. Affected: yes.